The following is an entry in ClinVar:

NM_001386393.1(PANK2):c.699C>G (p.Ile233Met)

Gene: PANK2 (pantothenate kinase 2; plus strand). Cytogenetic location: 20p13.
Variant type: single nucleotide variant.
Coding change: c.699C>G on transcript NM_001386393.1 (MANE Select); coding-DNA position 699, C replaced by G.
Protein change: p.Ile233Met; replaces isoleucine 233 with methionine.
Molecular consequence: missense variant. On other transcripts: 5 prime UTR variant (1), non-coding transcript variant (1).
Genome position (GRCh38, 1-based): chr20:3,910,624, C>G. VCF-style: chr20-3910624-C-G. GRCh37 (hg19) VCF-style: chr20-3891271-C-G.
Other names: c.156C>G, p.Ile52Met (NM_001324191.2, NM_024960.6, NM_153640.4); c.-280C>G (NM_001324193.2); c.1029C>G, p.Ile343Met (NM_153638.4); short protein forms I343M, I52M, I233M.
Identifiers: ClinVar variation 4737982 (VCV004737982.1).

ClinVar aggregate classification (germline): Uncertain significance (1 of 4 stars; one submission).

Conditions:
Pigmentary pallidal degeneration (NBIA1). Also called: Pantothenate Kinase-Associated Neurodegeneration; Neuroaxonal dystrophy, late infantile; Hallervorden-Spatz disease; PKAN NEUROAXONAL DYSTROPHY, JUVENILE-ONSET; HARP SYNDROME; Neurodegeneration with brain iron accumulation 1. Identifiers: Orphanet 157850, MedGen C0018523, MONDO:0009319, OMIM 234200.

gnomAD v4.1: 8 of 1,614,070 alleles (0.0005%); highest among the groups gnomAD compares: Non-Finnish European, 0.00059%; no homozygotes.

Submission:

Labcorp Genetics (formerly Invitae), Labcorp
Classification: Uncertain significance for Pigmentary pallidal degeneration. Last evaluated: 2025-11-13. Review status: criteria provided, single submitter. Criteria: Invitae Variant Classification Sherloc (09022015). Collection method: clinical testing. Allele origin: germline.
Comment: This sequence change replaces isoleucine, which is neutral and non-polar, with methionine, which is neutral and non-polar, at codon 343 of the PANK2 protein (p.Ile343Met). This variant is not present in population databases (gnomAD no frequency). This missense change has been observed in individual(s) with PANK2-related conditions (internal data). In at least one individual the data is consistent with being in trans (on the opposite chromosome) from a pathogenic variant. Invitae Evidence Modeling of protein sequence and biophysical properties (such as structural, functional, and spatial information, amino acid conservation, physicochemical variation, residue mobility, and thermodynamic stability) has been performed for this missense variant. However, the output from this modeling did not meet the statistical confidence thresholds required to predict the impact of this variant on PANK2 protein function. In summary, the available evidence is currently insufficient to determine the role of this variant in disease. Therefore, it has been classified as a Variant of Uncertain Significance.